The following is an entry in ClinVar:

NC_000015.9:g.(?_40698010)_(40698182_?)del

Gene: IVD (isovaleryl-CoA dehydrogenase; plus strand). Cytogenetic location: 15q15.1.
Variant type: Deletion.
Identifiers: ClinVar variation 1459787 (VCV001459787.3).

ClinVar aggregate classification (germline): Pathogenic (1 of 4 stars; one submission).

Conditions:
Isovaleryl-CoA dehydrogenase deficiency (IVA). Also called: Isovaleric acidemia; Classic Isovaleric Acidemia; ISOVALERIC ACID CoA DEHYDROGENASE DEFICIENCY; IVD DEFICIENCY. Identifiers: Orphanet 33, MedGen C0268575, MONDO:0009475, OMIM 243500.

Submission:

Labcorp Genetics (formerly Invitae), Labcorp
Classification: Pathogenic for Isovaleryl-CoA dehydrogenase deficiency. Last evaluated: 2020-11-10. Review status: criteria provided, single submitter. Criteria: Invitae Variant Classification Sherloc (09022015). Collection method: clinical testing. Allele origin: germline.
Comment: This variant is a gross deletion of the genomic region encompassing exon(s) 1 of the IVD gene, which includes the initiator codon. The 5' end of this event is unknown as it extends beyond the assayed region for this gene and therefore may encompass additional genes. The 3' boundary is likely confined to intron 1 of the IVD gene. It is expected to result in an absent or disrupted protein product. Loss-of-function variants in IVD are known to be pathogenic (PMID: 16602101). This variant has not been reported in the literature in individuals with IVD-related conditions. For these reasons, this variant has been classified as Pathogenic.

Literature cited by the submitters: PubMed 16602101.